The following is an entry in ClinVar:

NM_005548.3(KARS1):c.915+1del

Gene: KARS1 (lysyl-tRNA synthetase 1; minus strand). Cytogenetic location: 16q23.1.
Variant type: Deletion.
Coding change: c.915+1del on transcript NM_005548.3 (MANE Select); the canonical splice donor site of the intron after coding-DNA position 915, one base deleted (G; older notation c.915+1delG).
Molecular consequence: splice donor variant.
Genome position (GRCh38, 1-based): chr16:75,634,172, C deleted on the plus strand (G on the coding strand, the reverse complement: KARS1 is on the minus strand); the first of 2 consecutive C bases (chr16:75,634,172-75,634,173); deleting either gives the same sequence. VCF-style (leftmost placement, unchanged base first): chr16-75634171-AC-A. GRCh37 (hg19) VCF-style: chr16-75668069-AC-A.
Other names: c.999+1del (NM_001130089.2); c.447+1del (NM_001378148.1).
Identifiers: ClinVar variation 4978314 (VCV004978314.1).

ClinVar aggregate classification (germline): Uncertain significance (1 of 4 stars; one submission).

Conditions:
KARS1-related disorder. Also called: KARS1-related disorders.

Submission:

PreventionGenetics, part of Exact Sciences
Classification: Uncertain significance for KARS1-related condition. Last evaluated: 2025-10-03. Review status: criteria provided, single submitter. Criteria: ACMG Guidelines, 2015. Collection method: clinical testing. Allele origin: germline.
Comment: The KARS1 c.999+1delG variant is predicted to result in a deletion affecting a canonical splice site. To our knowledge, this variant has not been reported in the literature or in a large population database (gnomAD), indicating this variant is rare. At this time, the clinical significance of this variant is uncertain due to the absence of conclusive functional and genetic evidence.